The following is an entry in ClinVar:

NM_012414.4(RAB3GAP2):c.3171G>A (p.Met1057Ile)

Gene: RAB3GAP2 (RAB3 GTPase activating non-catalytic protein subunit 2; minus strand). Cytogenetic location: 1q41.
Variant type: single nucleotide variant.
Coding change: c.3171G>A on transcript NM_012414.4 (MANE Select); coding-DNA position 3171, G replaced by A.
Protein change: p.Met1057Ile; replaces methionine 1057 with isoleucine.
Molecular consequence: missense variant.
Genome position (GRCh38, 1-based): chr1:220,162,252, C>T on the plus strand (G>A on the coding strand, the complement: RAB3GAP2 is on the minus strand). VCF-style: chr1-220162252-C-T. GRCh37 (hg19) VCF-style: chr1-220335594-C-T.
Other names: short protein forms M1057I.
Identifiers: ClinVar variation 432839 (VCV000432839.8), dbSNP rs368434757, ClinGen allele CA1402211.

ClinVar aggregate classification (germline): Uncertain significance. Review status: criteria provided, multiple submitters, no conflicts (2 of 4 stars). 5 submissions from 5 submitters: Uncertain significance (5). Last evaluated 2025-08-18.

Conditions:
Warburg micro syndrome 2 (WARBM2). Also called: MICRO SYNDROME 2. Identifiers: Orphanet 2510, MedGen C3280214, MONDO:0013641, OMIM 614225.
Martsolf syndrome 1. Identifiers: Orphanet 1387, MedGen C5542298, MONDO:8000008, OMIM 212720.
Inborn genetic diseases. Identifiers: MedGen C0950123, MeSH D030342.
Martsolf syndrome (MARTS). Also called: Congenital cataract with intellectual disability and hypogonadotropic hypogonadism syndrome. Identifiers: Orphanet 1387, MedGen C0796037, MONDO:0023910.

Allele frequency attached by ClinVar (database versions not stated): ExAC 0.00009; gnomAD 0.00009 and 0.00010; gnomAD exomes 0.00010; TOPMed 0.00014; ESP Exome Variant Server 0.00023.

Submissions (5):

Labcorp Genetics (formerly Invitae), Labcorp
Classification: Uncertain significance for Martsolf syndrome; Warburg micro syndrome 2. Last evaluated: 2025-08-18. Review status: criteria provided, single submitter. Criteria: Invitae Variant Classification Sherloc (09022015). Collection method: clinical testing. Allele origin: germline.
Comment: This sequence change replaces methionine, which is neutral and non-polar, with isoleucine, which is neutral and non-polar, at codon 1057 of the RAB3GAP2 protein (p.Met1057Ile). This variant is present in population databases (rs368434757, gnomAD 0.03%). This variant has not been reported in the literature in individuals affected with RAB3GAP2-related conditions. ClinVar contains an entry for this variant (Variation ID: 432839). Invitae Evidence Modeling of protein sequence and biophysical properties (such as structural, functional, and spatial information, amino acid conservation, physicochemical variation, residue mobility, and thermodynamic stability) indicates that this missense variant is not expected to disrupt RAB3GAP2 protein function with a negative predictive value of 80%. In summary, the available evidence is currently insufficient to determine the role of this variant in disease. Therefore, it has been classified as a Variant of Uncertain Significance.

Blueprint Genetics
Classification: Uncertain significance. Last evaluated: 2024-10-15. Review status: criteria provided, single submitter. Criteria: ACMG Guidelines, 2015. Collection method: clinical testing. Allele origin: germline.

Fulgent Genetics
Classification: Uncertain significance for Martsolf syndrome 1; Warburg micro syndrome 2. Last evaluated: 2024-05-03. Review status: criteria provided, single submitter. Criteria: ACMG Guidelines, 2015. Collection method: clinical testing. Allele origin: germline.

Ambry Genetics
Classification: Uncertain significance for Inborn genetic diseases. Last evaluated: 2022-11-18. Review status: criteria provided, single submitter. Criteria: Ambry Variant Classification Scheme 2023. Collection method: clinical testing. Allele origin: germline.

GeneDx
Classification: Uncertain significance. Last evaluated: 2017-06-19. Review status: criteria provided, single submitter. Criteria: GeneDx Variant Classification (06012015). Collection method: clinical testing. Allele origin: germline. Affected: yes.
Comment: A variant of uncertain significance has been identified in the RAB3GAP2 gene. The M1057I variant has not been published as a pathogenic variant, nor has it been reported as a benign variant to our knowledge. The M1057I variant is observed in 4/11,566 (0.03%) alleles from individuals of Latino background (Lek et al., 2016; 1000 Genomes Consortium et al., 2015; Exome Variant Server). The M1057I variant is a conservative amino acid substitution, which is not likely to impact secondary protein structure as these residues share similar properties. This substitution occurs at a position where amino acids with similar properties to Methionine are tolerated across species. In silico analysis is inconsistent in its predictions as to whether or not the variant is damaging to the protein structure/function. Based on the currently available information, it is unclear whether this variant is a pathogenic variant or a rare benign variant.